The following is an entry in ClinVar:

ClinVar aggregate classification (germline): Uncertain significance (1 of 4 stars; one submission).

gnomAD v4.1: 3 of 1,599,442 alleles (0.00019%); highest among the groups gnomAD compares: Non-Finnish European, 0.00026%; no homozygotes.

Submission:

GeneDx
Classification: Uncertain significance. Last evaluated: 2025-08-02. Review status: criteria provided, single submitter. Criteria: GeneDx Variant Classification Process June 2021. Collection method: clinical testing. Allele origin: germline. Affected: yes.
Comment: Not observed at significant frequency in large population cohorts (gnomAD); In silico analysis supports that this missense variant has a deleterious effect on protein structure/function; Has not been previously published as pathogenic or benign to our knowledge

NM_007118.4(TRIO):c.545A>T (p.Asn182Ile)

Gene: TRIO (trio Rho guanine nucleotide exchange factor; plus strand). Cytogenetic location: 5p15.2.
Variant type: single nucleotide variant.
Coding change: c.545A>T on transcript NM_007118.4 (MANE Select); coding-DNA position 545, A replaced by T.
Protein change: p.Asn182Ile; replaces asparagine 182 with isoleucine.
Molecular consequence: missense variant. On other transcripts: non-coding transcript variant (1).
Genome position (GRCh38, 1-based): chr5:14,290,720, A>T. VCF-style: chr5-14290720-A-T. GRCh37 (hg19) VCF-style: chr5-14290829-A-T.
Other names: short protein forms N182I.
Identifiers: ClinVar variation 4755721 (VCV004755721.1).